The following is an entry in ClinVar:

ClinVar aggregate classification (germline): Uncertain significance (1 of 4 stars; one submission).

Conditions:
Short-rib thoracic dysplasia 6 with or without polydactyly (SRTD6). Also called: Majewski Syndrome; SHORT RIB-POLYDACTYLY SYNDROME, TYPE IIA; POLYDACTYLY WITH NEONATAL CHONDRODYSTROPHY, TYPE II; SHORT-RIB THORACIC DYSPLASIA 6 WITH POLYDACTYLY; SHORT-RIB THORACIC DYSPLASIA 6 WITHOUT POLYDACTYLY. Identifiers: MedGen C0024507, MONDO:0009894, OMIM 263520.

Submission:

Labcorp Genetics (formerly Invitae), Labcorp
Classification: Uncertain significance for Short-rib thoracic dysplasia 6 with or without polydactyly. Last evaluated: 2025-06-23. Review status: criteria provided, single submitter. Criteria: Invitae Variant Classification Sherloc (09022015). Collection method: clinical testing. Allele origin: germline.
Comment: This sequence change replaces isoleucine, which is neutral and non-polar, with arginine, which is basic and polar, at codon 215 of the NEK1 protein (p.Ile215Arg). This variant is not present in population databases (gnomAD no frequency). This variant has not been reported in the literature in individuals affected with NEK1-related conditions. ClinVar contains an entry for this variant (Variation ID: 1717651). An algorithm developed to predict the effect of missense changes on protein structure and function (PolyPhen-2) suggests that this variant is likely to be disruptive. In summary, the available evidence is currently insufficient to determine the role of this variant in disease. Therefore, it has been classified as a Variant of Uncertain Significance.

NM_001199397.3(NEK1):c.644T>G (p.Ile215Arg)

Gene: NEK1 (NIMA related kinase 1; minus strand). Cytogenetic location: 4q33.
Variant type: single nucleotide variant.
Coding change: c.644T>G on transcript NM_001199397.3 (MANE Select); coding-DNA position 644, T replaced by G.
Protein change: p.Ile215Arg; replaces isoleucine 215 with arginine.
Molecular consequence: missense variant. On other transcripts: non-coding transcript variant (2).
Genome position (GRCh38, 1-based): chr4:169,585,512, A>C on the plus strand (T>G on the coding strand, the complement: NEK1 is on the minus strand). VCF-style: chr4-169585512-A-C. GRCh37 (hg19) VCF-style: chr4-170506663-A-C.
Other names: c.644T>G, p.Ile215Arg (NM_001199398.3, NM_001199399.3, NM_001199400.3 and 7 more transcripts); short protein forms I215R.
Identifiers: ClinVar variation 1717651 (VCV001717651.5), dbSNP rs2546910466, ClinGen allele CA358738652.
Genomic context (GRCh38, chr4:169,585,512, plus strand): 5'-ACCAAACTGCGGAGATCATAGGAATAATGCAAAGACACAGGTGGAAAAGATCCAGATATT[A>C]TCTTCAGTACCAGGTTTTTCATACTGCCAGCTTCAAACTAAATTCCAGAAAATAAATAAC-3'
Protein context (NP_001186326.1, residues 205-225): AGSMKNLVLK[Ile215Arg]ISGSFPPVSL